The following is an entry in ClinVar:

ClinVar aggregate classification (germline): Uncertain significance (1 of 4 stars; one submission).

Conditions:
Von Hippel-Lindau syndrome (VHLS). Also called: Von Hippel-Lindau; VHL syndrome; von Hippel–Lindau syndrome. Identifiers: Orphanet 892, MedGen C0019562, MONDO:0008667, OMIM 193300. Disease mechanism: loss of function.
Chuvash polycythemia. Also called: POLYCYTHEMIA, VHL-DEPENDENT. Identifiers: Orphanet 238557, MedGen C1837915, MONDO:0009892, OMIM 263400.

Submission:

Labcorp Genetics (formerly Invitae), Labcorp
Classification: Uncertain significance for Von Hippel-Lindau syndrome; Chuvash polycythemia. Last evaluated: 2023-04-22. Review status: criteria provided, single submitter. Criteria: Invitae Variant Classification Sherloc (09022015). Collection method: clinical testing. Allele origin: germline.
Comment: In summary, the available evidence is currently insufficient to determine the role of this variant in disease. Therefore, it has been classified as a Variant of Uncertain Significance. Algorithms developed to predict the effect of sequence changes on RNA splicing suggest that this variant is not likely to affect RNA splicing. Experimental studies and prediction algorithms are not available or were not evaluated, and the functional significance of this variant is currently unknown. ClinVar contains an entry for this variant (Variation ID: 1922897). This variant has not been reported in the literature in individuals affected with VHL-related conditions. This variant is not present in population databases (gnomAD no frequency). This sequence change falls in intron 1 of the VHL gene. It is not expected to change the encoded amino acid sequence of the VHL protein. However, this sequence change falls within a cryptic exon in the VHL gene, known as exon E1’, which is naturally expressed at low levels in several human tissues (PMID: 29891534).

Literature cited by the submitters: PubMed 29891534.

NM_000551.4(VHL):c.340+690C>A

Genes: VHL (von Hippel-Lindau tumor suppressor; plus strand), LOC107303340 (3p25 von Hippel-Lindau tumor suppressor, E3 ubiquitin protein ligase Alu-mediated recombination region; plus strand). Cytogenetic location: 3p25.3.
Variant type: single nucleotide variant.
Coding change: c.340+690C>A on transcript NM_000551.4 (MANE Select); 690 bases into the intron after coding-DNA position 340, C replaced by A.
Molecular consequence: intron variant. On other transcripts: missense variant (1).
Genome position (GRCh38, 1-based): chr3:10,142,877, C>A. VCF-style: chr3-10142877-C-A. GRCh37 (hg19) VCF-style: chr3-10184561-C-A.
Other names: c.455C>A, p.Ala152Asp (NM_001354723.2); c.340+690C>A (NM_198156.3); short protein forms A152D.
Identifiers: ClinVar variation 1922897 (VCV001922897.5), dbSNP rs2470160056, ClinGen allele CA2580068435.